The following is an entry in ClinVar:

ClinVar aggregate classification (germline): Uncertain significance. Review status: criteria provided, multiple submitters, no conflicts (2 of 4 stars). 2 submissions from 2 submitters: Uncertain significance (2). Last evaluated 2024-11-20.

Conditions:
Fanconi anemia complementation group J. Also called: BRIP1-Related Fanconi Anemia. Identifiers: Orphanet 84, MedGen C1836860, MONDO:0012187, OMIM 609054.
Familial cancer of breast. Also called: BREAST CANCER, FAMILIAL; Hereditary breast cancer; hereditary breast carcinoma. Identifiers: Orphanet 227535, MedGen C0346153, MONDO:0016419, OMIM 114480. Disease mechanism: loss of function.
Hereditary cancer-predisposing syndrome. Also called: Tumor predisposition; Neoplastic Syndromes, Hereditary; Hereditary Cancer Syndrome; Hereditary neoplastic syndrome. Identifiers: Orphanet 140162, MedGen C0027672, MeSH D009386, MONDO:0015356.

Allele frequency attached by ClinVar (database versions not stated): gnomAD exomes below 0.00001; TOPMed below 0.00001; ExAC 0.00001; gnomAD 0.00001.
gnomAD v4.1: 7 of 1,613,886 alleles (0.00043%); highest among the groups gnomAD compares: Non-Finnish European, 0.00059%; no homozygotes.

Submissions (2):

Labcorp Genetics (formerly Invitae), Labcorp
Classification: Uncertain significance for Familial cancer of breast; Fanconi anemia complementation group J. Last evaluated: 2024-11-20. Review status: criteria provided, single submitter. Criteria: Invitae Variant Classification Sherloc (09022015). Collection method: clinical testing. Allele origin: germline.
Comment: This sequence change replaces alanine, which is neutral and non-polar, with threonine, which is neutral and polar, at codon 55 of the BRIP1 protein (p.Ala55Thr). This variant is present in population databases (rs757909937, gnomAD 0.0009%). This variant has not been reported in the literature in individuals affected with BRIP1-related conditions. ClinVar contains an entry for this variant (Variation ID: 1777013). Invitae Evidence Modeling of protein sequence and biophysical properties (such as structural, functional, and spatial information, amino acid conservation, physicochemical variation, residue mobility, and thermodynamic stability) has been performed for this missense variant. However, the output from this modeling did not meet the statistical confidence thresholds required to predict the impact of this variant on BRIP1 protein function. In summary, the available evidence is currently insufficient to determine the role of this variant in disease. Therefore, it has been classified as a Variant of Uncertain Significance.

Ambry Genetics
Classification: Uncertain significance for Hereditary cancer-predisposing syndrome. Last evaluated: 2022-05-11. Review status: criteria provided, single submitter. Criteria: Ambry Variant Classification Scheme 2023. Collection method: clinical testing. Allele origin: germline.
Comment: The p.A55T variant (also known as c.163G>A), located in coding exon 2 of the BRIP1 gene, results from a G to A substitution at nucleotide position 163. The alanine at codon 55 is replaced by threonine, an amino acid with similar properties. This amino acid position is highly conserved in available vertebrate species. In addition, the in silico prediction for this alteration is inconclusive. Since supporting evidence is limited at this time, the clinical significance of this alteration remains unclear.

NM_032043.3(BRIP1):c.163G>A (p.Ala55Thr)

Gene: BRIP1 (BRCA1 interacting DNA helicase 1; minus strand). Cytogenetic location: 17q23.2.
Variant type: single nucleotide variant.
Coding change: c.163G>A on transcript NM_032043.3 (MANE Select); coding-DNA position 163, G replaced by A.
Protein change: p.Ala55Thr; replaces alanine 55 with threonine.
Molecular consequence: missense variant.
Genome position (GRCh38, 1-based): chr17:61,859,838, C>T on the plus strand (G>A on the coding strand, the complement: BRIP1 is on the minus strand). VCF-style: chr17-61859838-C-T. GRCh37 (hg19) VCF-style: chr17-59937199-C-T.
Other names: short protein forms A55T.
Identifiers: ClinVar variation 1777013 (VCV001777013.4), dbSNP rs757909937, ClinGen allele CA8690984.